The following is an entry in ClinVar:

ClinVar aggregate classification (germline): Uncertain significance (1 of 4 stars; one submission).

gnomAD v4.1: 1 of 1,611,914 alleles (0.000062%); highest among the groups gnomAD compares: East Asian, 0.0022%; no homozygotes.

Submission:

Labcorp Genetics (formerly Invitae), Labcorp
Classification: Uncertain significance. Last evaluated: 2025-01-14. Review status: criteria provided, single submitter. Criteria: Invitae Variant Classification Sherloc (09022015). Collection method: clinical testing. Allele origin: germline.
Comment: This sequence change replaces proline, which is neutral and non-polar, with threonine, which is neutral and polar, at codon 260 of the RHOBTB2 protein (p.Pro260Thr). This variant is not present in population databases (gnomAD no frequency). This variant has not been reported in the literature in individuals affected with RHOBTB2-related conditions. Invitae Evidence Modeling of protein sequence and biophysical properties (such as structural, functional, and spatial information, amino acid conservation, physicochemical variation, residue mobility, and thermodynamic stability) indicates that this missense variant is not expected to disrupt RHOBTB2 protein function with a negative predictive value of 80%. In summary, the available evidence is currently insufficient to determine the role of this variant in disease. Therefore, it has been classified as a Variant of Uncertain Significance.

NM_015178.3(RHOBTB2):c.712C>A (p.Pro238Thr)

Gene: RHOBTB2 (Rho related BTB domain containing 2; plus strand). Cytogenetic location: 8p21.3.
Variant type: single nucleotide variant.
Coding change: c.712C>A on transcript NM_015178.3 (MANE Select); coding-DNA position 712, C replaced by A.
Protein change: p.Pro238Thr; replaces proline 238 with threonine.
Molecular consequence: missense variant.
Genome position (GRCh38, 1-based): chr8:23,006,957, C>A. VCF-style: chr8-23006957-C-A. GRCh37 (hg19) VCF-style: chr8-22864470-C-A.
Other names: c.778C>A, p.Pro260Thr (NM_001160036.2); c.733C>A, p.Pro245Thr (NM_001160037.2); c.712C>A, p.Pro238Thr (NM_001374791.1); short protein forms P260T, P238T, P245T.
Identifiers: ClinVar variation 3682527 (VCV003682527.2).